The following is an entry in ClinVar:

NM_001330260.2(SCN8A):c.1382A>T (p.Asp461Val)

Gene: SCN8A (sodium voltage-gated channel alpha subunit 8; plus strand). Cytogenetic location: 12q13.13.
Variant type: single nucleotide variant.
Coding change: c.1382A>T on transcript NM_001330260.2 (MANE Select); coding-DNA position 1382, A replaced by T.
Protein change: p.Asp461Val; replaces aspartic acid 461 with valine.
Molecular consequence: missense variant.
Genome position (GRCh38, 1-based): chr12:51,706,462, A>T. VCF-style: chr12-51706462-A-T. GRCh37 (hg19) VCF-style: chr12-52100246-A-T.
Other names: c.1382A>T, p.Asp461Val (NM_001177984.3, NM_001369788.1, NM_014191.4); short protein forms D461V.
Identifiers: ClinVar variation 1714622 (VCV001714622.5), dbSNP rs2540185846, ClinGen allele CA385228678.

ClinVar aggregate classification (germline): Uncertain significance (1 of 4 stars; one submission).

Conditions:
Early-infantile DEE. Also called: Early infantile epileptic encephalopathy with suppression bursts; Early infantile epileptic encephalopathy; Ohtahara syndrome. Identifiers: Orphanet 1934, MedGen C0393706, MONDO:0800491.

Allele frequency attached by ClinVar (database versions not stated): gnomAD exomes below 0.00001.
gnomAD v4.1: 1 of 1,604,194 alleles (0.000062%); highest among the groups gnomAD compares: Non-Finnish European, 0.000085%; no homozygotes.

Submission:

Labcorp Genetics (formerly Invitae), Labcorp
Classification: Uncertain significance for Early-infantile DEE. Last evaluated: 2022-10-04. Review status: criteria provided, single submitter. Criteria: Invitae Variant Classification Sherloc (09022015). Collection method: clinical testing. Allele origin: germline.
Comment: This variant is not present in population databases (gnomAD no frequency). This sequence change replaces aspartic acid, which is acidic and polar, with valine, which is neutral and non-polar, at codon 461 of the SCN8A protein (p.Asp461Val). This variant has not been reported in the literature in individuals affected with SCN8A-related conditions. In summary, the available evidence is currently insufficient to determine the role of this variant in disease. Therefore, it has been classified as a Variant of Uncertain Significance. Advanced modeling of protein sequence and biophysical properties (such as structural, functional, and spatial information, amino acid conservation, physicochemical variation, residue mobility, and thermodynamic stability) performed at Invitae indicates that this missense variant is not expected to disrupt SCN8A protein function.